The following is an entry in ClinVar:

NM_015100.4(POGZ):c.761G>A (p.Ser254Asn)

Gene: POGZ (pogo transposable element derived with ZNF domain; minus strand). Cytogenetic location: 1q21.3.
Variant type: single nucleotide variant.
Coding change: c.761G>A on transcript NM_015100.4 (MANE Select); coding-DNA position 761, G replaced by A.
Protein change: p.Ser254Asn; replaces serine 254 with asparagine.
Molecular consequence: missense variant.
Genome position (GRCh38, 1-based): chr1:151,428,221, C>T on the plus strand (G>A on the coding strand, the complement: POGZ is on the minus strand). VCF-style: chr1-151428221-C-T. GRCh37 (hg19) VCF-style: chr1-151400697-C-T.
Other names: c.476G>A, p.Ser159Asn (NM_145796.4); c.602G>A, p.Ser201Asn (NM_207171.2, NM_001194938.2); c.761G>A, p.Ser254Asn (NM_001194937.2); c.782G>A, p.Ser261Asn (NM_001410860.1); short protein forms S159N, S201N, S254N, S261N.
Identifiers: ClinVar variation 4534988 (VCV004534988.6).

ClinVar aggregate classification (germline): Uncertain significance (1 of 4 stars; one submission).

Submission:

CeGaT Center for Human Genetics Tuebingen
Classification: Uncertain significance. Last evaluated: 2025-10-01. Review status: criteria provided, single submitter. Criteria: CeGaT Center For Human Genetics Tuebingen Variant Classification Criteria Version 2. Collection method: clinical testing. Allele origin: germline. Affected: yes. Observed: 1 variant allele.
Comment: POGZ: PM2